The following is an entry in ClinVar:

NM_000387.6(SLC25A20):c.124C>T (p.Pro42Ser)

Gene: SLC25A20 (solute carrier family 25 member 20; minus strand). Cytogenetic location: 3p21.31.
Variant type: single nucleotide variant.
Coding change: c.124C>T on transcript NM_000387.6 (MANE Select); coding-DNA position 124, C replaced by T.
Protein change: p.Pro42Ser; replaces proline 42 with serine.
Molecular consequence: missense variant.
Genome position (GRCh38, 1-based): chr3:48,892,054, G>A on the plus strand (C>T on the coding strand, the complement: SLC25A20 is on the minus strand). VCF-style: chr3-48892054-G-A. GRCh37 (hg19) VCF-style: chr3-48929487-G-A.
Other names: short protein forms P42S.
Identifiers: ClinVar variation 4631127 (VCV004631127.2).
Genomic context (GRCh38, chr3:48,892,054, plus strand): 5'-TCTTCCGGAAACAGTCAAAGGTCCCAGAGTACATGGGAGGTTGTCCAGGCAAACTCGGTG[G>A]CTGTGTCTGCAGTCGGACCTGAAAACAGAAGTTAAAATGCAGTCACCTACCAGAATCAGA-3'
Protein context (NP_000378.1, residues 32-52): DTVKVRLQTQ[Pro42Ser]PSLPGQPPMY

ClinVar aggregate classification (germline): Uncertain significance. Review status: criteria provided, multiple submitters, no conflicts (2 of 4 stars). 2 submissions from 2 submitters: Uncertain significance (2). Last evaluated 2026-01-06.

Conditions:
Carnitine acylcarnitine translocase deficiency (CACTD). Identifiers: Orphanet 159, MedGen C0342791, MONDO:0008918, OMIM 212138.
Inborn genetic diseases. Identifiers: MedGen C0950123, MeSH D030342.

gnomAD v4.1: 20 of 1,613,918 alleles (0.0012%); highest among the groups gnomAD compares: African/African-American, 0.023%; no homozygotes.

Submissions (2):

Labcorp Genetics (formerly Invitae), Labcorp
Classification: Uncertain significance for Carnitine acylcarnitine translocase deficiency. Last evaluated: 2026-01-06. Review status: criteria provided, single submitter. Criteria: Invitae Variant Classification Sherloc (09022015). Collection method: clinical testing. Allele origin: germline.
Comment: This sequence change replaces proline, which is neutral and non-polar, with serine, which is neutral and polar, at codon 42 of the SLC25A20 protein (p.Pro42Ser). This variant is present in population databases (rs367835261, gnomAD 0.03%). This variant has not been reported in the literature in individuals affected with SLC25A20-related conditions. Invitae Evidence Modeling of protein sequence and biophysical properties (such as structural, functional, and spatial information, amino acid conservation, physicochemical variation, residue mobility, and thermodynamic stability) indicates that this missense variant is not expected to disrupt SLC25A20 protein function with a negative predictive value of 80%. In summary, the available evidence is currently insufficient to determine the role of this variant in disease. Therefore, it has been classified as a Variant of Uncertain Significance.

Ambry Genetics
Classification: Uncertain significance for Inborn genetic diseases. Last evaluated: 2025-12-04. Review status: criteria provided, single submitter. Criteria: Ambry Variant Classification Scheme 2023. Collection method: clinical testing. Allele origin: germline.